The following is an entry in ClinVar:

ClinVar aggregate classification (germline): Uncertain significance (1 of 4 stars; one submission).

Allele frequency attached by ClinVar (database versions not stated): ExAC 0.00001; gnomAD exomes 0.00001.

Submission:

Labcorp Genetics (formerly Invitae), Labcorp
Classification: Uncertain significance. Last evaluated: 2025-10-18. Review status: criteria provided, single submitter. Criteria: Invitae Variant Classification Sherloc (09022015). Collection method: clinical testing. Allele origin: germline.
Comment: This sequence change replaces arginine, which is basic and polar, with glutamine, which is neutral and polar, at codon 2070 of the DCHS1 protein (p.Arg2070Gln). This variant is present in population databases (rs773052564, gnomAD 0.01%). This variant has not been reported in the literature in individuals affected with DCHS1-related conditions. ClinVar contains an entry for this variant (Variation ID: 1973121). Invitae Evidence Modeling of protein sequence and biophysical properties (such as structural, functional, and spatial information, amino acid conservation, physicochemical variation, residue mobility, and thermodynamic stability) indicates that this missense variant is not expected to disrupt DCHS1 protein function with a negative predictive value of 80%. In summary, the available evidence is currently insufficient to determine the role of this variant in disease. Therefore, it has been classified as a Variant of Uncertain Significance.

NM_003737.4(DCHS1):c.6209G>A (p.Arg2070Gln)

Gene: DCHS1 (dachsous cadherin-related 1; minus strand). Cytogenetic location: 11p15.4.
Variant type: single nucleotide variant.
Coding change: c.6209G>A on transcript NM_003737.4 (MANE Select); coding-DNA position 6209, G replaced by A.
Protein change: p.Arg2070Gln; replaces arginine 2070 with glutamine.
Molecular consequence: missense variant.
Genome position (GRCh38, 1-based): chr11:6,626,830, C>T on the plus strand (G>A on the coding strand, the complement: DCHS1 is on the minus strand). VCF-style: chr11-6626830-C-T. GRCh37 (hg19) VCF-style: chr11-6648061-C-T.
Other names: short protein forms R2070Q.
Identifiers: ClinVar variation 1973121 (VCV001973121.5), dbSNP rs773052564, ClinGen allele CA5859939.